The following is an entry in ClinVar:

ClinVar aggregate classification (germline): Pathogenic (1 of 4 stars; one submission).

Conditions:
Chédiak-Higashi syndrome (CHS). Also called: Chediak-Higashi Syndrome. Identifiers: Orphanet 167, MedGen C0007965, MONDO:0008963, OMIM 214500.

Allele frequency attached by ClinVar (database versions not stated): gnomAD exomes below 0.00001.
gnomAD v4.1: 1 of 1,613,426 alleles (0.000062%); highest among the groups gnomAD compares: Non-Finnish European, 0.000085%; no homozygotes.

Submission:

Labcorp Genetics (formerly Invitae), Labcorp
Classification: Pathogenic for Chédiak-Higashi syndrome. Last evaluated: 2023-08-28. Review status: criteria provided, single submitter. Criteria: Invitae Variant Classification Sherloc (09022015). Collection method: clinical testing. Allele origin: germline.
Comment: This variant is not present in population databases (gnomAD no frequency). For these reasons, this variant has been classified as Pathogenic. Algorithms developed to predict the effect of sequence changes on RNA splicing suggest that this variant may disrupt the consensus splice site. ClinVar contains an entry for this variant (Variation ID: 1378721). This variant has not been reported in the literature in individuals affected with LYST-related conditions. This sequence change creates a premature translational stop signal (p.Gln2095*) in the LYST gene. It is expected to result in an absent or disrupted protein product. Loss-of-function variants in LYST are known to be pathogenic (PMID: 9215679, 11857544).

Literature cited by the submitters: PubMed 9215679; PubMed 11857544.

NM_000081.4(LYST):c.6283C>T (p.Gln2095Ter)

Gene: LYST (lysosomal trafficking regulator; minus strand). Cytogenetic location: 1q42.3.
Variant type: single nucleotide variant.
Coding change: c.6283C>T on transcript NM_000081.4 (MANE Select); coding-DNA position 6283, C replaced by T.
Protein change: p.Gln2095Ter; replaces glutamine 2095 with a stop codon.
Molecular consequence: nonsense.
Genome position (GRCh38, 1-based): chr1:235,759,570, G>A on the plus strand (C>T on the coding strand, the complement: LYST is on the minus strand). VCF-style: chr1-235759570-G-A. GRCh37 (hg19) VCF-style: chr1-235922870-G-A.
Other names: c.6283C>T, p.Gln2095Ter (NM_001301365.1); short protein forms Q2095*.
Identifiers: ClinVar variation 1378721 (VCV001378721.5), dbSNP rs1667380258, ClinGen allele CA344943103.
Genomic context (GRCh38, chr1:235,759,570, plus strand): 5'-GTAGTGAAGAAGTAGGGAATGCTGGTAGGCTTCTAGAACGCAGCATATGGGCGGCCATCT[G>A]TTGTGGAATAATATTAGAGGAATTCTCTCCTGGTAAGAGTAGATACAAAAATACTACTTA-3'